The following is an entry in ClinVar:

ClinVar aggregate classification (germline): Conflicting classifications of pathogenicity. Review status: criteria provided, conflicting classifications (1 of 4 stars). 4 submissions from 4 submitters: Uncertain significance (1); Benign (1); Likely benign (1). 1 of the submissions does not count toward it. Last evaluated 2026-01-21.

Conditions:
PEX14-related disorder. Also called: PEX14-related condition.
Peroxisome biogenesis disorder, complementation group K (CGK). Identifiers: MedGen C1866257, MONDO:0800365.

Allele frequency attached by ClinVar (database versions not stated): ExAC 0.00028; gnomAD exomes 0.00008 and 0.00021; gnomAD 0.00092 and 0.00097; ESP Exome Variant Server 0.00115; 1000 Genomes Project 30x 0.00156; TOPMed 0.00097; 1000 Genomes Project 0.00160.
gnomAD v4.1: 258 of 1,614,172 alleles (0.016%); highest among the groups gnomAD compares: African/African-American, 0.31%; 1 homozygote.

Submissions (4):

Labcorp Genetics (formerly Invitae), Labcorp
Classification: Benign for Peroxisome biogenesis disorder, complementation group K. Last evaluated: 2026-01-21. Review status: criteria provided, single submitter. Criteria: Invitae Variant Classification Sherloc (09022015). Collection method: clinical testing. Allele origin: germline.

Blueprint Genetics
Classification: Likely benign. Last evaluated: 2024-10-02. Review status: criteria provided, single submitter. Criteria: ACMG Guidelines, 2015. Collection method: clinical testing. Allele origin: germline.

Eurofins Ntd Llc (ga)
Classification: Uncertain significance. Last evaluated: 2018-01-09. Review status: criteria provided, single submitter. Criteria: EGL Classification Definitions 2015. Collection method: clinical testing. Allele origin: germline. Observed: 6 variant alleles, 6 heterozygotes.

PreventionGenetics, part of Exact Sciences
Classification: Likely benign for PEX14-related condition. Last evaluated: 2019-07-23. Review status: no assertion criteria provided. Collection method: clinical testing. Allele origin: germline. Not counted in ClinVar's aggregate classification.
Comment: This variant is classified as likely benign based on ACMG/AMP sequence variant interpretation guidelines (Richards et al. 2015 PMID: 25741868, with internal and published modifications).

NM_004565.3(PEX14):c.267C>G (p.Val89=)

Gene: PEX14 (peroxisomal biogenesis factor 14; plus strand). Cytogenetic location: 1p36.22.
Variant type: single nucleotide variant.
Coding change: c.267C>G on transcript NM_004565.3 (MANE Select); coding-DNA position 267, C replaced by G.
Protein change: p.Val89=; no amino-acid change (valine 89 retained).
Molecular consequence: synonymous variant.
Genome position (GRCh38, 1-based): chr1:10,599,335, C>G. VCF-style: chr1-10599335-C-G. GRCh37 (hg19) VCF-style: chr1-10659392-C-G.
Identifiers: ClinVar variation 95143 (VCV000095143.19), dbSNP rs146359055, ClinGen allele CA222775.